The following is an entry in ClinVar:

ClinVar aggregate classification (germline): Likely benign (1 of 4 stars; one submission).

gnomAD v4.1: 8 of 1,613,992 alleles (0.0005%); highest among the groups gnomAD compares: Non-Finnish European, 0.00068%; no homozygotes.

Submission:

CeGaT Center for Human Genetics Tuebingen
Classification: Likely benign. Last evaluated: 2026-01-01. Review status: criteria provided, single submitter. Criteria: CeGaT Center For Human Genetics Tuebingen Variant Classification Criteria Version 2. Collection method: clinical testing. Allele origin: germline. Affected: yes. Observed: 1 variant allele.
Comment: COL4A1: BP4, BP7

NM_001845.6(COL4A1):c.3567T>C (p.Gly1189=)

Gene: COL4A1 (collagen type IV alpha 1 chain; minus strand). Cytogenetic location: 13q34.
Variant type: single nucleotide variant.
Coding change: c.3567T>C on transcript NM_001845.6 (MANE Select); coding-DNA position 3567, T replaced by C.
Protein change: p.Gly1189=; no amino-acid change (glycine 1189 retained).
Molecular consequence: synonymous variant.
Genome position (GRCh38, 1-based): chr13:110,170,722, A>G on the plus strand (T>C on the coding strand, the complement: COL4A1 is on the minus strand). VCF-style: chr13-110170722-A-G. GRCh37 (hg19) VCF-style: chr13-110823069-A-G.
Identifiers: ClinVar variation 4821164 (VCV004821164.4).